The following is an entry in ClinVar:

ClinVar aggregate classification (germline): Uncertain significance (1 of 4 stars; one submission).

Conditions:
CHARGE syndrome (CHARGE). Also called: Hittner Hirsch Kreh syndrome; CHARGE ASSOCIATION--COLOBOMA, HEART ANOMALY, CHOANAL ATRESIA, RETARDATION, GENITAL AND EAR ANOMALIES; Coloboma, heart anomaly, choanal atresia, retardation, genital and ear anomalies; CHARGE association; Hall-Hittner syndrome. Identifiers: Orphanet 138, MedGen C0265354, MONDO:0008965.

Allele frequency attached by ClinVar (database versions not stated): TOPMed below 0.00001.
gnomAD v4.1: 2 of 1,614,158 alleles (0.00012%); highest among the groups gnomAD compares: East Asian, 0.0045%; no homozygotes.

Submission:

Labcorp Genetics (formerly Invitae), Labcorp
Classification: Uncertain significance for CHARGE syndrome. Last evaluated: 2024-04-05. Review status: criteria provided, single submitter. Criteria: Invitae Variant Classification Sherloc (09022015). Collection method: clinical testing. Allele origin: germline.
Comment: This sequence change replaces serine, which is neutral and polar, with cysteine, which is neutral and slightly polar, at codon 761 of the SEMA3E protein (p.Ser761Cys). This variant is present in population databases (no rsID available, gnomAD 0.006%). This variant has not been reported in the literature in individuals affected with SEMA3E-related conditions. An algorithm developed to predict the effect of missense changes on protein structure and function (PolyPhen-2) suggests that this variant is likely to be tolerated. In summary, the available evidence is currently insufficient to determine the role of this variant in disease. Therefore, it has been classified as a Variant of Uncertain Significance.

NM_012431.3(SEMA3E):c.2282C>G (p.Ser761Cys)

Gene: SEMA3E (semaphorin 3E; minus strand). Cytogenetic location: 7q21.11.
Variant type: single nucleotide variant.
Coding change: c.2282C>G on transcript NM_012431.3 (MANE Select); coding-DNA position 2282, C replaced by G.
Protein change: p.Ser761Cys; replaces serine 761 with cysteine.
Molecular consequence: missense variant.
Genome position (GRCh38, 1-based): chr7:83,367,632, G>C on the plus strand (C>G on the coding strand, the complement: SEMA3E is on the minus strand). VCF-style: chr7-83367632-G-C. GRCh37 (hg19) VCF-style: chr7-82996948-G-C.
Other names: c.2102C>G, p.Ser701Cys (NM_001178129.2); short protein forms S761C, S701C.
Identifiers: ClinVar variation 2713659 (VCV002713659.3), dbSNP rs1450289000, ClinGen allele CA367912192.